The following is an entry in ClinVar:

ClinVar aggregate classification (germline): Uncertain significance (0 of 4 stars; one submission).

Conditions:
TTN-related disorder. Also called: TTN-related disorders; TTN-related condition; TTN-related disease.

Submission:

PreventionGenetics, part of Exact Sciences
Classification: Uncertain significance for TTN-related condition. Last evaluated: 2024-06-26. Review status: no assertion criteria provided. Collection method: clinical testing. Allele origin: germline.
Comment: The TTN c.99037_99039dupGAT variant is predicted to result in an in-frame duplication (p.Asp33013dup). To our knowledge, this variant has not been reported in the literature or in a large population database, indicating this variant is rare. At this time, the clinical significance of this variant is uncertain due to the absence of conclusive functional and genetic evidence.

NM_001267550.2(TTN):c.99037_99039dup (p.Asp33013_Ser33014insAsp)

Genes: TTN (titin; minus strand), TTN-AS1 (TTN antisense RNA 1; plus strand). Cytogenetic location: 2q31.2.
Variant type: Duplication.
Coding change: c.99037_99039dup on transcript NM_001267550.2 (MANE Select); coding-DNA positions 99037 to 99039, 3 bases duplicated (GAT; older notation c.99037_99039dupGAT).
Protein change: p.Asp33013_Ser33014insAsp.
Molecular consequence: inframe insertion. On other transcripts: non-coding transcript variant (1).
Genome position (GRCh38, 1-based): chr2:178,538,790-178,538,792, ATC duplicated on the plus strand (GAT on the coding strand, the reverse complement: TTN is on the minus strand). VCF-style (leftmost placement, unchanged base first): chr2-178538789-T-TATC. GRCh37 (hg19) VCF-style: chr2-179403516-T-TATC.
Other names: c.99037_99039dupGAT (NM_001267550.2); c.94114_94116dup, p.Asp31372_Ser31373insAsp (NM_001256850.1); c.71842_71844dup, p.Asp23948_Ser23949insAsp (NM_003319.4); c.91333_91335dup, p.Asp30445_Ser30446insAsp (NM_133378.4); c.72217_72219dup, p.Asp24073_Ser24074insAsp (NM_133432.3); c.72418_72420dup, p.Asp24140_Ser24141insAsp (NM_133437.4).
Identifiers: ClinVar variation 3345054 (VCV003345054.1).
Genomic context (GRCh38, chr2:178,538,789, plus strand): 5'-AGTATCCAAGAATTTCTTTACCACCATCACATTCAGGTTTCTCCCACTGTAGAGTGACAC[T>TATC]ATCTTTGGATATTGAAAGAATCTCAAGTTCTCCTGGTTGGCTTGGTTTATCTGAAATATT-3'